The following is an entry in ClinVar:

ClinVar aggregate classification (germline): Uncertain significance (1 of 4 stars; one submission).

Conditions:
Hyperphosphatasia with impaired intellectual development syndrome 2. Also called: Hyperphosphatasia with intellectual disability syndrome 2; GLYCOSYLPHOSPHATIDYLINOSITOL BIOSYNTHESIS DEFECT 6. Identifiers: Orphanet 247262, MedGen C3553637, MONDO:0013882, OMIM 614749.

Allele frequency attached by ClinVar (database versions not stated): gnomAD 0.00001; gnomAD exomes 0.00001; TOPMed 0.00001.

Submission:

Labcorp Genetics (formerly Invitae), Labcorp
Classification: Uncertain significance for Hyperphosphatasia with impaired intellectual development syndrome 2. Last evaluated: 2024-07-29. Review status: criteria provided, single submitter. Criteria: Invitae Variant Classification Sherloc (09022015). Collection method: clinical testing. Allele origin: germline.
Comment: This sequence change replaces histidine, which is basic and polar, with arginine, which is basic and polar, at codon 38 of the PIGO protein (p.His38Arg). This variant is present in population databases (no rsID available, gnomAD 0.0009%). This variant has not been reported in the literature in individuals affected with PIGO-related conditions. ClinVar contains an entry for this variant (Variation ID: 1015117). Advanced modeling of protein sequence and biophysical properties (such as structural, functional, and spatial information, amino acid conservation, physicochemical variation, residue mobility, and thermodynamic stability) performed at Invitae indicates that this missense variant is not expected to disrupt PIGO protein function with a negative predictive value of 80%. In summary, the available evidence is currently insufficient to determine the role of this variant in disease. Therefore, it has been classified as a Variant of Uncertain Significance.

NM_032634.4(PIGO):c.113A>G (p.His38Arg)

Gene: PIGO (phosphatidylinositol glycan anchor biosynthesis class O; minus strand). Cytogenetic location: 9p13.3.
Variant type: single nucleotide variant.
Coding change: c.113A>G on transcript NM_032634.4 (MANE Select); coding-DNA position 113, A replaced by G.
Protein change: p.His38Arg; replaces histidine 38 with arginine.
Molecular consequence: missense variant.
Genome position (GRCh38, 1-based): chr9:35,095,453, T>C on the plus strand (A>G on the coding strand, the complement: PIGO is on the minus strand). VCF-style: chr9-35095453-T-C. GRCh37 (hg19) VCF-style: chr9-35095450-T-C.
Other names: c.113A>G, p.His38Arg (NM_001201484.2, NM_152850.4); short protein forms H38R.
Identifiers: ClinVar variation 1015117 (VCV001015117.7), dbSNP rs993053284, ClinGen allele CA192716901.